The following is an entry in ClinVar:

ClinVar aggregate classification (germline): Likely pathogenic (1 of 4 stars; one submission).

Submission:

GeneDx
Classification: Likely pathogenic. Last evaluated: 2024-09-24. Review status: criteria provided, single submitter. Criteria: GeneDx Variant Classification Process June 2021. Collection method: clinical testing. Allele origin: germline. Affected: yes.
Comment: Nonsense variant predicted to result in protein truncation or nonsense mediated decay in a gene for which loss of function is a known mechanism of disease; Not observed at significant frequency in large population cohorts (gnomAD); Has not been previously published as pathogenic or benign to our knowledge

NM_000218.3(KCNQ1):c.674C>A (p.Ser225Ter)

Gene: KCNQ1 (potassium voltage-gated channel subfamily Q member 1; plus strand). Cytogenetic location: 11p15.5.
Variant type: single nucleotide variant.
Coding change: c.674C>A on transcript NM_000218.3 (MANE Select); coding-DNA position 674, C replaced by A.
Protein change: p.Ser225Ter; replaces serine 225 with a stop codon.
Molecular consequence: nonsense. On other transcripts: intron variant (1).
Genome position (GRCh38, 1-based): chr11:2,571,394, C>A. VCF-style: chr11-2571394-C-A. GRCh37 (hg19) VCF-style: chr11-2592624-C-A.
Other names: c.674C>A, p.Ser225Ter (NM_001406836.1); c.404C>A, p.Ser135Ter (NM_001406837.1); c.293C>A, p.Ser98Ter (NM_181798.2); c.478-12041C>A (NM_001406838.1); short protein forms S135*, S225*, S98*.
Identifiers: ClinVar variation 3774956 (VCV003774956.1).
Genomic context (GRCh38, chr11:2,571,394, plus strand): 5'-TGGTCGTGGCCTCCATGGTGGTCCTCTGCGTGGGCTCCAAGGGGCAGGTGTTTGCCACGT[C>A]GGCCATCAGGTGCGTCTGTGCCACAAGCTCCCCCCGCCATGCCGCCCCACCCCGAGCACC-3'